The following is an entry in ClinVar:

ClinVar aggregate classification (germline): Uncertain significance (1 of 4 stars; one submission).

Allele frequency attached by ClinVar (database versions not stated): gnomAD exomes 0.00001.
gnomAD v4.1: 7 of 1,611,738 alleles (0.00043%); highest among the groups gnomAD compares: Non-Finnish European, 0.00059%; no homozygotes.

Submission:

Ambry Genetics
Classification: Uncertain significance. Last evaluated: 2022-09-05. Review status: criteria provided, single submitter. Criteria: Ambry Variant Classification Scheme 2023. Collection method: clinical testing. Allele origin: germline.
Comment: The p.S132R variant (also known as c.396C>A), located in coding exon 1 of the EGLN2 gene, results from a C to A substitution at nucleotide position 396. The serine at codon 132 is replaced by arginine, an amino acid with dissimilar properties. This amino acid position is conserved. In addition, this alteration is predicted to be tolerated by in silico analysis. Since supporting evidence is limited at this time, the clinical significance of this alteration remains unclear.

NM_080732.4(EGLN2):c.396C>A (p.Ser132Arg)

Genes: EGLN2 (egl-9 family hypoxia inducible factor 2; plus strand), RAB4B-EGLN2 (RAB4B-EGLN2 readthrough (NMD candidate); plus strand). Cytogenetic location: 19q13.2.
Variant type: single nucleotide variant.
Coding change: c.396C>A on transcript NM_080732.4 (MANE Select); coding-DNA position 396, C replaced by A.
Protein change: p.Ser132Arg; replaces serine 132 with arginine.
Molecular consequence: missense variant. On other transcripts: non-coding transcript variant (1).
Genome position (GRCh38, 1-based): chr19:40,800,968, C>A. VCF-style: chr19-40800968-C-A. GRCh37 (hg19) VCF-style: chr19-41306873-C-A.
Other names: c.396C>A, p.Ser132Arg (NM_053046.4); short protein forms S132R.
Identifiers: ClinVar variation 1736589 (VCV001736589.2), dbSNP rs2515993950, ClinGen allele CA405955162.